The following is an entry in ClinVar:

ClinVar aggregate classification (germline): Conflicting classifications of pathogenicity. Review status: criteria provided, conflicting classifications (1 of 4 stars). 4 submissions from 4 submitters: Uncertain significance (1); Benign (1); Likely benign (2). Last evaluated 2026-06-17.

Conditions:
Polyps, multiple and recurrent inflammatory fibroid, gastrointestinal. Identifiers: MedGen C5193005, MONDO:0008285, OMIM 175510.
Gastrointestinal stromal tumor. Also called: Gastrointestinal stromal tumor, somatic; Gastrointestinal stroma tumor. Identifiers: Orphanet 44890, MedGen C0238198, MeSH D046152, MONDO:0011719, OMIM 606764, HP:0100723.
Hereditary cancer-predisposing syndrome. Also called: Hereditary neoplastic syndrome; Neoplastic Syndromes, Hereditary; Hereditary Cancer Syndrome; Tumor predisposition. Identifiers: Orphanet 140162, MedGen C0027672, MeSH D009386, MONDO:0015356.

Allele frequency attached by ClinVar (database versions not stated): gnomAD 0.00001; TOPMed 0.00001; 1000 Genomes Project 30x 0.00016; 1000 Genomes Project 0.00020.
gnomAD v4.1: 6 of 1,614,038 alleles (0.00037%); highest among the groups gnomAD compares: Admixed American, 0.0083%; no homozygotes.

Submissions (4):

Myriad Genetics, Inc.
Classification: Benign for Polyps, multiple and recurrent inflammatory fibroid, gastrointestinal. Last evaluated: 2026-06-17. Review status: criteria provided, single submitter. Criteria: Myriad Autosomal Dominant, Autosomal Recessive and X-Linked Classification Criteria (2023). Collection method: clinical testing. Allele origin: unknown.
Comment: This variant is considered benign. This variant is a silent/synonymous amino acid change and it is not expected to impact splicing.

Labcorp Genetics (formerly Invitae), Labcorp
Classification: Likely benign for Gastrointestinal stromal tumor. Last evaluated: 2024-10-31. Review status: criteria provided, single submitter. Criteria: Invitae Variant Classification Sherloc (09022015). Collection method: clinical testing. Allele origin: germline.

GeneDx
Classification: Uncertain significance. Last evaluated: 2024-06-10. Review status: criteria provided, single submitter. Criteria: GeneDx Variant Classification Process June 2021. Collection method: clinical testing. Allele origin: germline. Affected: yes.
Comment: Not observed at significant frequency in large population cohorts (gnomAD); In silico analysis indicates that this variant does not alter splicing; Has not been previously published as pathogenic or benign to our knowledge

Ambry Genetics
Classification: Likely benign for Hereditary cancer-predisposing syndrome. Last evaluated: 2020-02-09. Review status: criteria provided, single submitter. Criteria: Ambry Variant Classification Scheme 2023. Collection method: clinical testing. Allele origin: germline.

NM_006206.6(PDGFRA):c.1599G>T (p.Val533=)

Gene: PDGFRA (platelet derived growth factor receptor alpha; plus strand). Cytogenetic location: 4q12.
Variant type: single nucleotide variant.
Coding change: c.1599G>T on transcript NM_006206.6 (MANE Select); coding-DNA position 1599, G replaced by T.
Protein change: p.Val533=; no amino-acid change (valine 533 retained).
Molecular consequence: synonymous variant.
Genome position (GRCh38, 1-based): chr4:54,274,571, G>T. VCF-style: chr4-54274571-G-T. GRCh37 (hg19) VCF-style: chr4-55140738-G-T.
Other names: c.1599G>T, p.Val533= (NM_001347827.2, NM_001347829.2); c.1674G>T, p.Val558= (NM_001347828.2); c.1638G>T, p.Val546= (NM_001347830.2).
Identifiers: ClinVar variation 528654 (VCV000528654.15), dbSNP rs146832047, ClinGen allele CA96859476.